The following is an entry in ClinVar:

NM_000069.3(CACNA1S):c.2873C>T (p.Thr958Ile)

Gene: CACNA1S (calcium voltage-gated channel subunit alpha1 S; minus strand). Cytogenetic location: 1q32.1.
Variant type: single nucleotide variant.
Coding change: c.2873C>T on transcript NM_000069.3 (MANE Select); coding-DNA position 2873, C replaced by T.
Protein change: p.Thr958Ile; replaces threonine 958 with isoleucine.
Molecular consequence: missense variant.
Genome position (GRCh38, 1-based): chr1:201,062,495, G>A on the plus strand (C>T on the coding strand, the complement: CACNA1S is on the minus strand). VCF-style: chr1-201062495-G-A. GRCh37 (hg19) VCF-style: chr1-201031623-G-A.
Other names: c.2873C>T (NM_000069.2); short protein forms T958I.
Identifiers: ClinVar variation 2775014 (VCV002775014.5), dbSNP rs2464504090, ClinGen allele CA344164644.

ClinVar aggregate classification (germline): Uncertain significance. Review status: criteria provided, multiple submitters, no conflicts (2 of 4 stars). 3 submissions from 3 submitters: Uncertain significance (3). Last evaluated 2025-10-28.

Conditions:
Malignant hyperthermia, susceptibility to, 5 (MHS5). Also called: CACNA1S-Related Malignant Hyperthermia Susceptibility. Identifiers: Orphanet 423, MedGen C1866077, MONDO:0011163, OMIM 601887.
Hypokalemic periodic paralysis, type 1. Also called: HypoPP; Hypokalemic Periodic Paralysis Type 1 (AD). Identifiers: Orphanet 681, MedGen C3714580, MONDO:0042979, OMIM 170400.
Inborn genetic diseases. Identifiers: MedGen C0950123, MeSH D030342.

Allele frequency attached by ClinVar (database versions not stated): gnomAD exomes below 0.00001.
gnomAD v4.1: 5 of 1,613,686 alleles (0.00031%); highest among the groups gnomAD compares: Non-Finnish European, 0.00042%; no homozygotes.

Submissions (3):

Labcorp Genetics (formerly Invitae), Labcorp
Classification: Uncertain significance for Hypokalemic periodic paralysis, type 1; Malignant hyperthermia, susceptibility to, 5. Last evaluated: 2025-10-28. Review status: criteria provided, single submitter. Criteria: Invitae Variant Classification Sherloc (09022015). Collection method: clinical testing. Allele origin: germline.
Comment: This sequence change replaces threonine, which is neutral and polar, with isoleucine, which is neutral and non-polar, at codon 958 of the CACNA1S protein (p.Thr958Ile). This variant is not present in population databases (gnomAD no frequency). This variant has not been reported in the literature in individuals affected with CACNA1S-related conditions. ClinVar contains an entry for this variant (Variation ID: 2775014). Invitae Evidence Modeling of protein sequence and biophysical properties (such as structural, functional, and spatial information, amino acid conservation, physicochemical variation, residue mobility, and thermodynamic stability) indicates that this missense variant is not expected to disrupt CACNA1S protein function with a negative predictive value of 95%. In summary, the available evidence is currently insufficient to determine the role of this variant in disease. Therefore, it has been classified as a Variant of Uncertain Significance.

Color Diagnostics, LLC DBA Color Health
Classification: Uncertain significance for Malignant hyperthermia, susceptibility to, 5. Last evaluated: 2025-07-18. Review status: criteria provided, single submitter. Criteria: ACMG Guidelines, 2015. Collection method: clinical testing. Allele origin: germline.
Comment: This missense variant replaces threonine with isoleucine at codon 958 of the CACNA1S protein. Computational prediction is inconclusive regarding the impact of this variant on protein structure and function. To our knowledge, functional studies have not been reported for this variant. This variant has not been reported in individuals affected with CACNA1S-related disorders in the literature. This variant has not been identified in the general population by the Genome Aggregation Database (gnomAD). The available evidence is insufficient to determine the role of this variant in disease conclusively. Therefore, this variant is classified as a Variant of Uncertain Significance.

Ambry Genetics
Classification: Uncertain significance for Inborn genetic diseases. Last evaluated: 2024-12-31. Review status: criteria provided, single submitter. Criteria: Ambry Variant Classification Scheme 2023. Collection method: clinical testing. Allele origin: germline.